The following is an entry in ClinVar:

NM_052854.4(CREB3L1):c.1129A>G (p.Met377Val)

Gene: CREB3L1 (cAMP responsive element binding protein 3 like 1; plus strand). Cytogenetic location: 11p11.2.
Variant type: single nucleotide variant.
Coding change: c.1129A>G on transcript NM_052854.4 (MANE Select); coding-DNA position 1129, A replaced by G.
Protein change: p.Met377Val; replaces methionine 377 with valine.
Molecular consequence: missense variant.
Genome position (GRCh38, 1-based): chr11:46,316,383, A>G. VCF-style: chr11-46316383-A-G. GRCh37 (hg19) VCF-style: chr11-46337934-A-G.
Other names: short protein forms M377V.
Identifiers: ClinVar variation 1911502 (VCV001911502.5), dbSNP rs1324876568, ClinGen allele CA380224446.

ClinVar aggregate classification (germline): Uncertain significance (1 of 4 stars; one submission).

Allele frequency attached by ClinVar (database versions not stated): TOPMed below 0.00001.
gnomAD v4.1: 4 of 1,547,716 alleles (0.00026%); highest among the groups gnomAD compares: Admixed American, 0.0019%; no homozygotes.

Submission:

Labcorp Genetics (formerly Invitae), Labcorp
Classification: Uncertain significance. Last evaluated: 2024-08-27. Review status: criteria provided, single submitter. Criteria: Invitae Variant Classification Sherloc (09022015). Collection method: clinical testing. Allele origin: germline.
Comment: This sequence change replaces methionine, which is neutral and non-polar, with valine, which is neutral and non-polar, at codon 377 of the CREB3L1 protein (p.Met377Val). The frequency data for this variant in the population databases is considered unreliable, as metrics indicate poor data quality at this position in the gnomAD database. This variant has not been reported in the literature in individuals affected with CREB3L1-related conditions. ClinVar contains an entry for this variant (Variation ID: 1911502). An algorithm developed to predict the effect of missense changes on protein structure and function (PolyPhen-2) suggests that this variant is likely to be tolerated. In summary, the available evidence is currently insufficient to determine the role of this variant in disease. Therefore, it has been classified as a Variant of Uncertain Significance.